The following is an entry in ClinVar:

NM_000503.6(EYA1):c.816T>G (p.Asp272Glu)

Gene: EYA1 (EYA transcriptional coactivator and phosphatase 1; minus strand). Cytogenetic location: 8q13.3.
Variant type: single nucleotide variant.
Coding change: c.816T>G on transcript NM_000503.6 (MANE Select); coding-DNA position 816, T replaced by G.
Protein change: p.Asp272Glu; replaces aspartic acid 272 with glutamic acid.
Molecular consequence: missense variant.
Genome position (GRCh38, 1-based): chr8:71,299,057, A>C on the plus strand (T>G on the coding strand, the complement: EYA1 is on the minus strand). VCF-style: chr8-71299057-A-C. GRCh37 (hg19) VCF-style: chr8-72211292-A-C.
Other names: c.798T>G, p.Asp266Glu (NM_001288574.2); c.450T>G, p.Asp150Glu (NM_001288575.2); c.903T>G, p.Asp301Glu (NM_001370333.1); c.816T>G, p.Asp272Glu (NM_001370334.1, NM_001370335.1, NM_172058.4); c.885T>G, p.Asp295Glu (NM_001370336.1); c.717T>G, p.Asp239Glu (NM_001411797.1, NM_172060.4); c.888T>G, p.Asp296Glu (NM_172059.5); short protein forms D272E, D296E, D301E, D239E, D295E, D150E, D266E.
Identifiers: ClinVar variation 4998394 (VCV004998394.1).

ClinVar aggregate classification (germline): Uncertain significance (1 of 4 stars; one submission).

Conditions:
EYA1-related disorder. Also called: EYA1-related condition.

gnomAD v4.1: 1 of 1,613,804 alleles (0.000062%); highest among the groups gnomAD compares: Admixed American, 0.0017%; no homozygotes.

Submission:

PreventionGenetics, part of Exact Sciences
Classification: Uncertain significance for EYA1-related condition. Last evaluated: 2024-12-03. Review status: criteria provided, single submitter. Criteria: ACMG Guidelines, 2015. Collection method: clinical testing. Allele origin: germline.
Comment: The EYA1 c.816T>G variant is predicted to result in the amino acid substitution p.Asp272Glu. To our knowledge, this variant has not been reported in the literature or in a large population database (gnomAD), indicating this variant is rare. At this time, the clinical significance of this variant is uncertain due to the absence of conclusive functional and genetic evidence.